The following is an entry in ClinVar:

ClinVar aggregate classification (germline): Uncertain significance (1 of 4 stars; one submission).

Conditions:
Familial adenomatous polyposis 2. Also called: COLORECTAL ADENOMATOUS POLYPOSIS, AUTOSOMAL RECESSIVE; ADENOMAS, MULTIPLE COLORECTAL, AUTOSOMAL RECESSIVE; MUTYH-associated polyposis; FAP type 2; MUTYH-related attenuated familial adenomatous polyposis; Adenomas, multiple colorectal. Identifiers: Orphanet 220460, Orphanet 247798, MedGen C3272841, MONDO:0012041, OMIM 608456.

Submission:

Labcorp Genetics (formerly Invitae), Labcorp
Classification: Uncertain significance for Familial adenomatous polyposis 2. Last evaluated: 2017-03-20. Review status: criteria provided, single submitter. Criteria: Invitae Variant Classification Sherloc (09022015). Collection method: clinical testing. Allele origin: germline.
Comment: Nucleotide substitutions within the consensus splice site are relatively common causes of aberrant splicing (PMID: 17576681, 9536098). Algorithms developed to predict the effect of nucleotide changes on RNA splicing suggest that this variant may alter RNA splicing, but this prediction has not been confirmed by published transcriptional studies. In summary, this is a novel intronic change with uncertain impact on splicing. It has been classified as a Variant of Uncertain Significance. This variant is not present in population databases (ExAC no frequency) and has not been reported in the literature in individuals with a MUTYH-related disease. This sequence change falls in intron 5 of the MUTYH gene. It does not directly change the encoded amino acid sequence of the MUTYH protein, but it affects a nucleotide within the consensus splice site of the intron.

Literature cited by the submitters: PubMed 17576681; PubMed 9536098.

NM_001048174.2(MUTYH):c.378+3G>T

Gene: MUTYH (mutY DNA glycosylase; minus strand). Cytogenetic location: 1p34.1.
Variant type: single nucleotide variant.
Coding change: c.378+3G>T on transcript NM_001048174.2 (MANE Select); 3 bases into the intron after coding-DNA position 378, G replaced by T.
Molecular consequence: intron variant.
Genome position (GRCh38, 1-based): chr1:45,333,094, C>A on the plus strand (G>T on the coding strand, the complement: MUTYH is on the minus strand). VCF-style: chr1-45333094-C-A. GRCh37 (hg19) VCF-style: chr1-45798766-C-A.
Other names: c.34-135G>T (NM_001350651.2, NM_001350650.2); c.102+3G>T (NM_001293192.2, NM_001293196.2); c.378+3G>T (NM_001048171.2, NM_001048173.2, NM_001293195.2); c.423+3G>T (NM_001293190.2); c.453+3G>T (NM_012222.3); c.462+3G>T (NM_001128425.2); c.381+3G>T (NM_001048172.2); c.411+3G>T (NM_001293191.2).
Identifiers: ClinVar variation 464722 (VCV000464722.8), dbSNP rs373939052, ClinGen allele CA658656932.